The following is an entry in ClinVar:

ClinVar aggregate classification (germline): Likely benign (1 of 4 stars; one submission).

Conditions:
Diaphanospondylodysostosis. Also called: VERTEBRAL OSSIFICATION, DEFECT IN, WITH NEPHROGENIC RESTS. Identifiers: Orphanet 66637, MedGen C1842691, MONDO:0011946, OMIM 608022.

Allele frequency attached by ClinVar (database versions not stated): 1000 Genomes Project 0.00060; 1000 Genomes Project 30x 0.00078; TOPMed 0.00106; gnomAD 0.00115 and 0.00113.

Submission:

Illumina Laboratory Services, Illumina
Classification: Likely benign for Diaphanospondylodysostosis. Last evaluated: 2018-01-12. Review status: criteria provided, single submitter. Criteria: ICSL Variant Classification Criteria 13 December 2019. Collection method: clinical testing. Allele origin: germline.
Comment: This variant was observed in the ICSL laboratory as part of a predisposition screen in an ostensibly healthy population. It had not been previously curated by ICSL or reported in the Human Gene Mutation Database (HGMD: prior to June 1st, 2018), and was therefore a candidate for classification through an automated scoring system. Utilizing variant allele frequency, disease prevalence and penetrance estimates, and inheritance mode, an automated score was calculated to assess if this variant is too frequent to cause the disease. Based on the score and internal cut-off values, a variant classified as likely benign is not then subjected to further curation. The score for this variant resulted in a classification of likely benign for this disease.

NM_133468.5(BMPER):c.-362C>A

Gene: BMPER (BMP binding endothelial regulator; plus strand). Cytogenetic location: 7p14.3.
Variant type: single nucleotide variant.
Coding change: c.-362C>A on transcript NM_133468.5; 362 bases upstream of the start codon, C replaced by A.
Molecular consequence: 5 prime UTR variant.
Genome position (GRCh38, 1-based): chr7:33,904,923, C>A. VCF-style: chr7-33904923-C-A. GRCh37 (hg19) VCF-style: chr7-33944535-C-A.
Identifiers: ClinVar variation 360084 (VCV000360084.7), dbSNP rs144748548, ClinGen allele CA10623881.